The following is an entry in ClinVar:

ClinVar aggregate classification (germline): Uncertain significance (1 of 4 stars; one submission).

Conditions:
Beckwith-Wiedemann syndrome (BWS). Also called: Exomphalos macroglossia gigantism syndrome; EMG SYNDROME. Identifiers: Orphanet 116, MedGen C0004903, MONDO:0007534, OMIM 130650.

Submission:

Labcorp Genetics (formerly Invitae), Labcorp
Classification: Uncertain significance for Beckwith-Wiedemann syndrome. Last evaluated: 2022-02-20. Review status: criteria provided, single submitter. Criteria: Invitae Variant Classification Sherloc (09022015). Collection method: clinical testing. Allele origin: germline.
Comment: This variant has not been reported in the literature in individuals affected with CDKN1C-related conditions. This variant is not present in population databases (gnomAD no frequency). This sequence change replaces valine, which is neutral and non-polar, with alanine, which is neutral and non-polar, at codon 113 of the CDKN1C protein (p.Val113Ala). In summary, the available evidence is currently insufficient to determine the role of this variant in disease. Therefore, it has been classified as a Variant of Uncertain Significance. Algorithms developed to predict the effect of missense changes on protein structure and function output the following: SIFT: "Tolerated"; PolyPhen-2: "Benign"; Align-GVGD: "Class C0". The alanine amino acid residue is found in multiple mammalian species, which suggests that this missense change does not adversely affect protein function.

NM_001122630.2(CDKN1C):c.305T>C (p.Val102Ala)

Gene: CDKN1C (cyclin dependent kinase inhibitor 1C; minus strand). Cytogenetic location: 11p15.4.
Variant type: single nucleotide variant.
Coding change: c.305T>C on transcript NM_001122630.2 (MANE Select); coding-DNA position 305, T replaced by C.
Protein change: p.Val102Ala; replaces valine 102 with alanine.
Molecular consequence: missense variant. On other transcripts: intron variant (1).
Genome position (GRCh38, 1-based): chr11:2,885,152, A>G on the plus strand (T>C on the coding strand, the complement: CDKN1C is on the minus strand). VCF-style: chr11-2885152-A-G. GRCh37 (hg19) VCF-style: chr11-2906382-A-G.
Other names: c.338T>C, p.Val113Ala (NM_000076.2, NM_001362474.2); c.305T>C, p.Val102Ala (NM_001122631.2); c.255+50T>C (NM_001362475.2); short protein forms V102A, V113A.
Identifiers: ClinVar variation 1490049 (VCV001490049.8), dbSNP rs2133785216, ClinGen allele CA379146903.